The following is an entry in ClinVar:

NM_000038.6(APC):c.3994dup (p.Thr1332fs)

Gene: APC (APC regulator of Wnt signaling pathway; plus strand). Cytogenetic location: 5q22.2.
Variant type: Duplication.
Coding change: c.3994dup on transcript NM_000038.6 (MANE Select); coding-DNA position 3994, one base duplicated (A; older notation c.3994dupA).
Protein change: p.Thr1332fs; shifts the reading frame from threonine 1332.
Molecular consequence: frameshift variant.
Genome position (GRCh38, 1-based): chr5:112,839,588, A duplicated; the last of 2 consecutive A bases (chr5:112,839,587-112,839,588); duplicating either gives the same sequence. VCF-style (leftmost placement, unchanged base first): chr5-112839586-G-GA. GRCh37 (hg19) VCF-style: chr5-112175283-G-GA.
Other names: c.4024dup, p.Thr1342fs (NM_001354897.2); c.3871dup, p.Thr1291fs (NM_001354900.2); c.3691dup, p.Thr1231fs (NM_001354903.2); c.3910dup, p.Thr1304fs (NM_001354899.2); c.3817dup, p.Thr1273fs (NM_001354901.2); c.3721dup, p.Thr1241fs (NM_001354902.2); c.3919dup, p.Thr1307fs (NM_001354898.2); c.3994dup, p.Thr1332fs (NM_001127510.3, NM_001354895.2); and 6 more; short protein forms T1231fs, T1241fs, T1307fs, T1332fs, T1350fs, T1342fs, T1049fs, T1291fs.
Identifiers: ClinVar variation 428092 (VCV000428092.9), dbSNP rs1114167544, ClinGen allele CA645369374.

ClinVar aggregate classification (germline): Pathogenic. Review status: criteria provided, multiple submitters, no conflicts (2 of 4 stars). 3 submissions from 3 submitters: Pathogenic (3). Last evaluated 2025-01-24.

Conditions:
Hereditary cancer-predisposing syndrome. Also called: Hereditary Cancer Syndrome; Neoplastic Syndromes, Hereditary; Hereditary neoplastic syndrome; Tumor predisposition. Identifiers: Orphanet 140162, MedGen C0027672, MeSH D009386, MONDO:0015356.
Familial adenomatous polyposis 1 (FAP1). Also called: FAMILIAL ADENOMATOUS POLYPOSIS 1, ATTENUATED; POLYPOSIS, ADENOMATOUS INTESTINAL. Identifiers: MedGen C2713442, MONDO:0021056, OMIM 175100. Disease mechanism: loss of function.

Submissions (3):

Labcorp Genetics (formerly Invitae), Labcorp
Classification: Pathogenic for Familial adenomatous polyposis 1. Last evaluated: 2025-01-24. Review status: criteria provided, single submitter. Criteria: Invitae Variant Classification Sherloc (09022015). Collection method: clinical testing. Allele origin: germline.
Comment: This sequence change creates a premature translational stop signal (p.Thr1332Asnfs*10) in the APC gene. While this is not anticipated to result in nonsense mediated decay, it is expected to disrupt the last 1512 amino acid(s) of the APC protein. This variant is not present in population databases (gnomAD no frequency). This premature translational stop signal has been observed in individual(s) with familial adenomatous polyposis (PMID: 31113927). This variant is also known as c.3992_3993insA. ClinVar contains an entry for this variant (Variation ID: 428092). This variant is expected to disrupt the EB1 and HDLG binding sites, which mediate interactions with the cytoskeleton (PMID: 15311282, 17293347). While functional studies have not been performed to directly test the effect on APC protein function, this suggests that disruption of the C-terminal portion of the protein is functionally important. A different truncation (p.Tyr2645Lysfs*14) that lies downstream of this variant has been determined to be pathogenic (PMID: 9824584, 1316610, 27081525, 8381579, 22135120, internal data). This suggests that deletion of this region of the APC protein is causative of disease. For these reasons, this variant has been classified as Pathogenic.

Myriad Genetics, Inc.
Classification: Pathogenic for Familial adenomatous polyposis 1. Last evaluated: 2023-05-10. Review status: criteria provided, single submitter. Criteria: Myriad Autosomal Dominant, Autosomal Recessive and X-Linked Classification Criteria (2023). Collection method: clinical testing. Allele origin: unknown.
Comment: This variant is considered pathogenic. This variant creates a frameshift predicted to result in premature protein truncation.

Ambry Genetics
Classification: Pathogenic for Hereditary cancer-predisposing syndrome. Last evaluated: 2023-01-05. Review status: criteria provided, single submitter. Criteria: Ambry Variant Classification Scheme 2023. Collection method: clinical testing. Allele origin: germline.
Comment: The c.3994dupA pathogenic mutation, located in coding exon 15 of the APC gene, results from a duplication of A at nucleotide position 3994, causing a translational frameshift with a predicted alternate stop codon (p.T1332Nfs*10). This alteration occurs at the 3' terminus of the APC gene, is not expected to trigger nonsense-mediated mRNA decay, and only impacts the last 53% of the protein. However, premature stop codons are typically deleterious in nature, and a significant portion of the protein is affected, including a region that is critical for protein function (Ambry internal data). This alteration has been observed in individuals with a personal and/or family history that is consistent with APC-related disease (Ambry internal data; Wang D et al. Mol Genet Genomic Med, 2019 Jan;7:e00505). This variant is considered to be rare based on population cohorts in the Genome Aggregation Database (gnomAD). This alteration is expected to result in loss of function by premature protein truncation. As such, this alteration is interpreted as a disease-causing mutation.

Literature cited by the submitters: PubMed 31113927 (cited by Labcorp Genetics (formerly Invitae), Labcorp); PubMed 15311282 (cited by Labcorp Genetics (formerly Invitae), Labcorp); PubMed 17293347 (cited by Labcorp Genetics (formerly Invitae), Labcorp); PubMed 9824584 (cited by Labcorp Genetics (formerly Invitae), Labcorp); PubMed 1316610 (cited by Labcorp Genetics (formerly Invitae), Labcorp); PubMed 27081525 (cited by Labcorp Genetics (formerly Invitae), Labcorp); PubMed 8381579 (cited by Labcorp Genetics (formerly Invitae), Labcorp); PubMed 22135120 (cited by Labcorp Genetics (formerly Invitae), Labcorp); PubMed 30523670 (cited by Ambry Genetics).